The following is an entry in ClinVar:

NM_000487.6(ARSA):c.77_91del (p.Val26_Ala30del)

Gene: ARSA (arylsulfatase A; minus strand). Cytogenetic location: 22q13.33.
Variant type: Deletion.
Coding change: c.77_91del on transcript NM_000487.6 (MANE Select); coding-DNA positions 77 to 91, 15 bases deleted (TGCTGATCTTTGCCG).
Protein change: p.Val26_Ala30del.
Molecular consequence: inframe deletion. On other transcripts: intron variant (2).
Genome position (GRCh38, 1-based): chr22:50,627,689-50,627,703, CGGCAAAGATCAGCA deleted on the plus strand (TGCTGATCTTTGCCG on the coding strand, the reverse complement: ARSA is on the minus strand); deleting any 15 consecutive bases within chr22:50,627,689-50,627,705 gives the same sequence; the c. name uses the placement nearest the transcript's 3' end. VCF-style (leftmost placement, unchanged base first): chr22-50627688-TCGGCAAAGATCAGCA-T. GRCh37 (hg19) VCF-style: chr22-51066116-TCGGCAAAGATCAGCA-T.
Other names: c.77_91del, p.Val26_Ala30del (NM_001085425.3, NM_001085426.3, NM_001085427.3); c.-35+288_-34-283del (NM_001362782.2); c.-35+243_-35+257del (NM_001085428.3).
Identifiers: ClinVar variation 5004640 (VCV005004640.1).
Genomic context (GRCh38, chr22:50,627,688, plus strand): 5'-AGGTTGGGAGTGGTAGAGCTGGGGTGCCCATAGCAGCCCAGGTCCCCATAGCCGAGGTCG[TCGGCAAAGATCAGCA>T]CGATGTTGGGCGGACGGGCAACGGCCAGGCCAGCAGCCAGGGCCAGGAGGAGGGACCGCG-3'

ClinVar aggregate classification (germline): Uncertain significance (1 of 4 stars; one submission).

Conditions:
Metachromatic leukodystrophy (MLD). Also called: ARSA DEFICIENCY; CEREBROSIDE SULFATASE DEFICIENCY; METACHROMATIC LEUKOENCEPHALOPATHY; Cerebral sclerosis diffuse metachromatic form; Arylsulfatase A Deficiency; SULFATIDE LIPIDOSIS. Identifiers: Orphanet 512, MedGen C0023522, MONDO:0018868, OMIM 250100.

Submission:

Myriad Genetics, Inc.
Classification: Uncertain significance for Metachromatic leukodystrophy. Last evaluated: 2026-05-04. Review status: criteria provided, single submitter. Criteria: Myriad Autosomal Dominant, Autosomal Recessive and X-Linked Classification Criteria (2023). Collection method: clinical testing. Allele origin: unknown.
Comment: NM_000487.5(ARSA):c.77_91del15(V26_A30del) is an in-frame deletion classified as a variant of uncertain significance in the context of metachromatic leukodystrophy. V26_A30del has not been observed in cases with relevant disease. Relevant functional assessments of this variant are not available in the literature. V26_A30del has not been observed in referenced population frequency databases. In summary, there is insufficient evidence to classify NM_000487.5(ARSA):c.77_91del15(V26_A30del) as pathogenic or benign. Please note: this variant was assessed in the context of healthy population screening.